The following is an entry in ClinVar:

ClinVar aggregate classification (germline): Uncertain significance (1 of 4 stars; one submission).

Conditions:
Autosomal dominant nonsyndromic hearing loss 1. Also called: KONIGSMARK SYNDROME; DEAFNESS, AUTOSOMAL DOMINANT 1, WITH OR WITHOUT THROMBOCYTOPENIA. Identifiers: Orphanet 90635, MedGen C1852282, MONDO:0007424, OMIM 124900.
Progressive microcephaly-seizures-cortical blindness-developmental delay syndrome. Also called: Seizures, cortical blindness, and microcephaly syndrome. Identifiers: Orphanet 477814, MedGen C5567650, MONDO:0014714, OMIM 616632.

Submission:

Labcorp Genetics (formerly Invitae), Labcorp
Classification: Uncertain significance for Progressive microcephaly-seizures-cortical blindness-developmental delay syndrome; Autosomal dominant nonsyndromic hearing loss 1. Last evaluated: 2024-08-12. Review status: criteria provided, single submitter. Criteria: Invitae Variant Classification Sherloc (09022015). Collection method: clinical testing. Allele origin: germline.
Comment: This sequence change replaces valine, which is neutral and non-polar, with alanine, which is neutral and non-polar, at codon 625 of the DIAPH1 protein (p.Val625Ala). This variant is not present in population databases (gnomAD no frequency). This variant has not been reported in the literature in individuals affected with DIAPH1-related conditions. An algorithm developed to predict the effect of missense changes on protein structure and function outputs the following: PolyPhen-2: "Not Available". The alanine amino acid residue is found in multiple mammalian species, which suggests that this missense change does not adversely affect protein function. In summary, the available evidence is currently insufficient to determine the role of this variant in disease. Therefore, it has been classified as a Variant of Uncertain Significance.

NM_005219.5(DIAPH1):c.1874T>C (p.Val625Ala)

Gene: DIAPH1 (diaphanous related formin 1; minus strand). Cytogenetic location: 5q31.3.
Variant type: single nucleotide variant.
Coding change: c.1874T>C on transcript NM_005219.5 (MANE Select); coding-DNA position 1874, T replaced by C.
Protein change: p.Val625Ala; replaces valine 625 with alanine.
Molecular consequence: missense variant.
Genome position (GRCh38, 1-based): chr5:141,573,976, A>G on the plus strand (T>C on the coding strand, the complement: DIAPH1 is on the minus strand). VCF-style: chr5-141573976-A-G. GRCh37 (hg19) VCF-style: chr5-140953543-A-G.
Other names: c.1847T>C, p.Val616Ala (NM_001079812.3); c.1874T>C, p.Val625Ala (NM_001314007.2); short protein forms V616A, V625A.
Identifiers: ClinVar variation 3757115 (VCV003757115.2).
Genomic context (GRCh38, chr5:141,573,976, plus strand): 5'-AAAGGAGGGGGTGGAGAGATAGCAGTACCTCCAGGTAAAGAAGGGGGTGAGGAGATGCAA[A>G]CACCCCCAGGCAAAGGAGGTGGAGGAGGAGGAGGAGGAGGAGGAGGAGGAGGAGTGGTAC-3'
Protein context (NP_005210.3, residues 615-635): PPPPPPLPGG[Val625Ala]CISSPPSLPG